The following is an entry in ClinVar:

NM_138376.3(TTC5):c.1027T>G (p.Phe343Val)

Genes: TTC5 (tetratricopeptide repeat domain 5; minus strand), LOC126861878 (CDK7 strongly-dependent group 2 enhancer GRCh37_chr14:20763215-20764414; plus strand). Cytogenetic location: 14q11.2.
Variant type: single nucleotide variant.
Coding change: c.1027T>G on transcript NM_138376.3 (MANE Select); coding-DNA position 1027, T replaced by G.
Protein change: p.Phe343Val; replaces phenylalanine 343 with valine.
Molecular consequence: missense variant.
Genome position (GRCh38, 1-based): chr14:20,295,343, A>C on the plus strand (T>G on the coding strand, the complement: TTC5 is on the minus strand). VCF-style: chr14-20295343-A-C. GRCh37 (hg19) VCF-style: chr14-20763502-A-C.
Other names: short protein forms F343V.
Identifiers: ClinVar variation 3239194 (VCV003239194.19), dbSNP rs2501732332.
Genomic context (GRCh38, chr14:20,295,343, plus strand): 5'-AAAATGGGGGAAATCCAAGAGAAACTCACAAGGGGACTTTCTCCTCTGTGGTGAGGCTAA[A>C]TACCACCTTTCCCAGGATGACGGCACCGCTGTTCACCCCAGGCTGAAGCGTACTCAGTGG-3'
Protein context (NP_612385.2, residues 333-353): SGAVILGKVV[Phe343Val]SLTTEEKVPF

ClinVar aggregate classification (germline): Uncertain significance (1 of 4 stars; one submission).

Submission:

CeGaT Center for Human Genetics Tuebingen
Classification: Uncertain significance. Last evaluated: 2024-05-01. Review status: criteria provided, single submitter. Criteria: CeGaT Center For Human Genetics Tuebingen Variant Classification Criteria Version 2. Collection method: clinical testing. Allele origin: germline. Affected: yes. Observed: 1 variant allele.
Comment: TTC5: PM2, PM3:Supporting